The following is an entry in ClinVar:

NM_006280.3(SSR4):c.93C>G (p.Ile31Met)

Gene: SSR4 (signal sequence receptor subunit 4; plus strand). Cytogenetic location: Xq28.
Variant type: single nucleotide variant.
Coding change: c.93C>G on transcript NM_006280.3 (MANE Select); coding-DNA position 93, C replaced by G.
Protein change: p.Ile31Met; replaces isoleucine 31 with methionine.
Molecular consequence: missense variant.
Genome position (GRCh38, 1-based): chrX:153,796,459, C>G. VCF-style: chrX-153796459-C-G. GRCh37 (hg19) VCF-style: chrX-153061914-C-G.
Other names: c.126C>G, p.Ile42Met (NM_001204526.2); c.117C>G, p.Ile39Met (NM_001204527.2); short protein forms I31M, I39M, I42M.
Identifiers: ClinVar variation 3370038 (VCV003370038.1).

ClinVar aggregate classification (germline): Uncertain significance (1 of 4 stars; one submission).

gnomAD v4.1: 1 of 1,210,898 alleles (0.000083%); highest among the groups gnomAD compares: East Asian, 0.003%; no homozygotes.

Submission:

GeneDx
Classification: Uncertain significance. Last evaluated: 2023-12-23. Review status: criteria provided, single submitter. Criteria: GeneDx Variant Classification Process June 2021. Collection method: clinical testing. Allele origin: germline. Affected: yes.
Comment: Not observed at significant frequency in large population cohorts (gnomAD); In silico analysis supports that this missense variant does not alter protein structure/function; Has not been previously published as pathogenic or benign to our knowledge